The following is an entry in ClinVar:

NM_024408.4(NOTCH2):c.854G>T (p.Arg285Leu)

Gene: NOTCH2 (notch receptor 2; minus strand). Cytogenetic location: 1p12.
Variant type: single nucleotide variant.
Coding change: c.854G>T on transcript NM_024408.4 (MANE Select); coding-DNA position 854, G replaced by T.
Protein change: p.Arg285Leu; replaces arginine 285 with leucine.
Molecular consequence: missense variant.
Genome position (GRCh38, 1-based): chr1:119,986,980, C>A on the plus strand (G>T on the coding strand, the complement: NOTCH2 is on the minus strand). VCF-style: chr1-119986980-C-A. GRCh37 (hg19) VCF-style: chr1-120529603-C-A.
Other names: c.854G>T, p.Arg285Leu (NM_001200001.2); short protein forms R285L.
Identifiers: ClinVar variation 2838242 (VCV002838242.3), dbSNP rs782452794, ClinGen allele CA341887443.
Genomic context (GRCh38, chr1:119,986,980, plus strand): 5'-TCCATATCCCATTCTGGTGGATTCTCCACACTGTACATACCTGTCCATTGTGGGGGACAG[C>A]GGCAGTTGTAAGTGTTGACCCCATCCACACAAACCCCTCCATTCTGACACCTGTGGTTAG-3'
Protein context (NP_077719.2, residues 275-295): CVDGVNTYNC[Arg285Leu]CPPQWTGQFC

ClinVar aggregate classification (germline): Uncertain significance (1 of 4 stars; one submission).

Conditions:
Hajdu-Cheney syndrome (HJCYS). Also called: ACROOSTEOLYSIS WITH OSTEOPOROSIS AND CHANGES IN SKULL AND MANDIBLE; SERPENTINE FIBULA-POLYCYSTIC KIDNEY SYNDROME; Acroosteolysis dominant type. Identifiers: Orphanet 955, MedGen C0917715, MONDO:0007057, OMIM 102500.

Submission:

Labcorp Genetics (formerly Invitae), Labcorp
Classification: Uncertain significance for Hajdu-Cheney syndrome. Last evaluated: 2023-02-16. Review status: criteria provided, single submitter. Criteria: Invitae Variant Classification Sherloc (09022015). Collection method: clinical testing. Allele origin: germline.
Comment: In summary, the available evidence is currently insufficient to determine the role of this variant in disease. Therefore, it has been classified as a Variant of Uncertain Significance. This variant has not been reported in the literature in individuals affected with NOTCH2-related conditions. An algorithm developed to predict the effect of missense changes on protein structure and function (PolyPhen-2) suggests that this variant is likely to be disruptive. This variant is not present in population databases (gnomAD no frequency). This sequence change replaces arginine, which is basic and polar, with leucine, which is neutral and non-polar, at codon 285 of the NOTCH2 protein (p.Arg285Leu).